The following is an entry in ClinVar:

ClinVar aggregate classification (germline): Conflicting classifications of pathogenicity. Review status: criteria provided, conflicting classifications (1 of 4 stars). 2 submissions from 2 submitters: Uncertain significance (1); Likely benign (1). Last evaluated 2023-03-23.

Conditions:
Hereditary cancer-predisposing syndrome. Also called: Hereditary neoplastic syndrome; Neoplastic Syndromes, Hereditary; Tumor predisposition; Hereditary Cancer Syndrome. Identifiers: Orphanet 140162, MedGen C0027672, MeSH D009386, MONDO:0015356.
Hereditary breast ovarian cancer syndrome. Also called: Hereditary breast and ovarian cancer syndrome (HBOC); BRCA1- and BRCA2-Associated Hereditary Breast and Ovarian Cancer; Hereditary breast and ovarian cancer syndrome; Breast and ovarian cancer; Hereditary breast and ovarian cancer; Hereditary breast and/or ovarian cancer syndrome. Identifiers: Orphanet 145, MedGen C0677776, MeSH D061325, MONDO:0003582. Disease mechanism: loss of function.

Submissions (2):

University of Washington Department of Laboratory Medicine, University of Washington
Classification: Likely benign for Hereditary cancer-predisposing syndrome. Last evaluated: 2023-03-23. Review status: criteria provided, single submitter. Criteria: Dines et al. (Genet Med. 2020). Collection method: curation. Allele origin: germline.
Comment: Missense variant in a coldspot region where missense variants are very unlikely to be pathogenic (PMID:31911673).

BRCA1 coldspot (exon 11 using historical exon numbering). Reclassification based on statistical prior probability

Labcorp Genetics (formerly Invitae), Labcorp
Classification: Uncertain significance for Hereditary breast ovarian cancer syndrome. Last evaluated: 2017-11-19. Review status: criteria provided, single submitter. Criteria: Invitae Variant Classification Sherloc (09022015). Collection method: clinical testing. Allele origin: germline.
Comment: In summary, the available evidence is currently insufficient to determine the role of this variant in disease. Therefore, it has been classified as a Variant of Uncertain Significance. Algorithms developed to predict the effect of missense changes on protein structure and function (SIFT, PolyPhen-2, Align-GVGD) all suggest that this variant is likely to be tolerated, but these predictions have not been confirmed by published functional studies and their clinical significance is uncertain. This variant has not been reported in the literature in individuals with BRCA1-related disease. This variant is not present in population databases (ExAC no frequency). This sequence change replaces lysine with asparagine at codon 739 of the BRCA1 protein (p.Lys739Asn). The lysine residue is weakly conserved and there is a moderate physicochemical difference between lysine and asparagine.

NM_007294.4(BRCA1):c.2217A>C (p.Lys739Asn)

Gene: BRCA1 (BRCA1 DNA repair associated; minus strand). Cytogenetic location: 17q21.31.
Variant type: single nucleotide variant.
Coding change: c.2217A>C on transcript NM_007294.4 (MANE Select); coding-DNA position 2217, A replaced by C.
Protein change: p.Lys739Asn; replaces lysine 739 with asparagine.
Molecular consequence: missense variant. On other transcripts: intron variant (137).
Genome position (GRCh38, 1-based): chr17:43,093,314, T>G on the plus strand (A>C on the coding strand, the complement: BRCA1 is on the minus strand). VCF-style: chr17-43093314-T-G. GRCh37 (hg19) VCF-style: chr17-41245331-T-G.
Other names: c.2076A>C, p.Lys692Asn (NM_001407737.1, NM_001407738.1, NM_001407739.1 and 29 more transcripts); c.671-2282A>C (NM_001408419.1, NM_001408423.1, NM_001408420.1 and 2 more transcripts); c.787+1430A>C (NM_001407975.1, NM_001407983.1, NM_001407971.1 and 17 more transcripts); c.643+1430A>C (NM_001408465.1, NM_001408470.1, NM_001408464.1 and 3 more transcripts); c.790+1427A>C (NM_001408406.1); c.2073A>C, p.Lys691Asn (NM_001407742.1, NM_001407744.1, NM_001407743.1 and 20 more transcripts); c.646+1430A>C (NM_001408456.1, NM_001408458.1, NM_001408469.1 and 11 more transcripts); c.2004A>C, p.Lys668Asn (NM_001407571.1, NM_001407853.1, NM_001407894.1 and 9 more transcripts); and 41 more; short protein forms K739N, K692N, K611N, K627N, K669N, K671N, K443N, K612N.
Identifiers: ClinVar variation 531343 (VCV000531343.12), dbSNP rs200521980, ClinGen allele CA10597564.